The following is an entry in ClinVar:

NM_014365.3(HSPB8):c.188C>T (p.Thr63Ile)

Gene: HSPB8 (heat shock protein family B (small) member 8; plus strand). Cytogenetic location: 12q24.23.
Variant type: single nucleotide variant.
Coding change: c.188C>T on transcript NM_014365.3 (MANE Select); coding-DNA position 188, C replaced by T.
Protein change: p.Thr63Ile; replaces threonine 63 with isoleucine.
Molecular consequence: missense variant.
Genome position (GRCh38, 1-based): chr12:119,179,500, C>T. VCF-style: chr12-119179500-C-T. GRCh37 (hg19) VCF-style: chr12-119617305-C-T.
Other names: short protein forms T63I.
Identifiers: ClinVar variation 1014121 (VCV001014121.8), dbSNP rs771054805, ClinGen allele CA6819514.
Genomic context (GRCh38, chr12:119,179,500, plus strand): 5'-ACTTGACAGCCTCTTGGCCCGACTGGGCTCTGCCTCGTCTCTCCTCCGCCTGGCCAGGCA[C>T]CCTAAGGTCGGGCATGGTGCCCCGGGGCCCCACTGCCACCGCCAGGTTTGGGGTGCCTGC-3'
Protein context (NP_055180.1, residues 53-73): LPRLSSAWPG[Thr63Ile]LRSGMVPRGP

ClinVar aggregate classification (germline): Uncertain significance (1 of 4 stars; one submission).

Conditions:
Charcot-Marie-Tooth disease axonal type 2L. Also called: Charcot-Marie-Tooth Neuropathy Type 2L; CHARCOT-MARIE-TOOTH DISEASE, AXONAL, AUTOSOMAL DOMINANT, TYPE 2L; CHARCOT-MARIE-TOOTH NEUROPATHY, AXONAL, TYPE 2L. Identifiers: Orphanet 99945, MedGen C1837552, MONDO:0012096, OMIM 608673.

Allele frequency attached by ClinVar (database versions not stated): gnomAD exomes below 0.00001; ExAC 0.00001.
gnomAD v4.1: 2 of 1,614,070 alleles (0.00012%); highest among the groups gnomAD compares: Middle Eastern, 0.016%; no homozygotes.

Submission:

Labcorp Genetics (formerly Invitae), Labcorp
Classification: Uncertain significance for Charcot-Marie-Tooth disease axonal type 2L. Last evaluated: 2020-01-23. Review status: criteria provided, single submitter. Criteria: Invitae Variant Classification Sherloc (09022015). Collection method: clinical testing. Allele origin: germline.
Comment: Algorithms developed to predict the effect of missense changes on protein structure and function (SIFT, PolyPhen-2, Align-GVGD) all suggest that this variant is likely to be tolerated, but these predictions have not been confirmed by published functional studies and their clinical significance is uncertain. In summary, the available evidence is currently insufficient to determine the role of this variant in disease. Therefore, it has been classified as a Variant of Uncertain Significance. This variant has not been reported in the literature in individuals with HSPB8-related conditions. This variant is present in population databases (rs771054805, ExAC 0.006%). This sequence change replaces threonine with isoleucine at codon 63 of the HSPB8 protein (p.Thr63Ile). The threonine residue is moderately conserved and there is a moderate physicochemical difference between threonine and isoleucine.